The following is an entry in ClinVar:

ClinVar aggregate classification (germline): Uncertain significance (1 of 4 stars; one submission).

Submission:

GeneDx
Classification: Uncertain significance. Last evaluated: 2021-09-14. Review status: criteria provided, single submitter. Criteria: GeneDx Variant Classification Process June 2021. Collection method: clinical testing. Allele origin: germline. Affected: yes.
Comment: In silico analysis supports that this missense variant has a deleterious effect on protein structure/function; Has not been previously published as pathogenic or benign to our knowledge

NM_003590.5(CUL3):c.74T>C (p.Met25Thr)

Gene: CUL3 (cullin 3; minus strand). Cytogenetic location: 2q36.2.
Variant type: single nucleotide variant.
Coding change: c.74T>C on transcript NM_003590.5 (MANE Select); coding-DNA position 74, T replaced by C.
Protein change: p.Met25Thr; replaces methionine 25 with threonine.
Molecular consequence: missense variant. On other transcripts: intron variant (1).
Genome position (GRCh38, 1-based): chr2:224,557,849, A>G on the plus strand (T>C on the coding strand, the complement: CUL3 is on the minus strand). VCF-style: chr2-224557849-A-G. GRCh37 (hg19) VCF-style: chr2-225422566-A-G.
Other names: c.92T>C, p.Met31Thr (NM_001257198.2); c.67-22208T>C (NM_001257197.2); short protein forms M25T, M31T.
Identifiers: ClinVar variation 1343916 (VCV001343916.2), dbSNP rs1382194775, ClinGen allele CA351131040.
Genomic context (GRCh38, chr2:224,557,849, plus strand): 5'-TGGATTTCTTGAATTGCATTTTTCAGAAGGTCCCAAATGCTGTTTACATATTTTTCATCC[A>G]TGGTCATCTGTAATATCCAAGAGAGAGAAGAGACAAAAAAAAAAAAAAAAAAAAAACCAA-3'
Protein context (NP_003581.1, residues 15-35): KMRIRAFPMT[Met25Thr]DEKYVNSIWD